The following is an entry in ClinVar:

NM_001374828.1(ARID1B):c.5916del (p.Pro1972_Leu1973insTer)

Gene: ARID1B (AT-rich interaction domain 1B; plus strand). Cytogenetic location: 6q25.3.
Variant type: Deletion.
Coding change: c.5916del on transcript NM_001374828.1 (MANE Select); coding-DNA position 5916, one base deleted (C; older notation c.5916delC).
Protein change: p.Pro1972_Leu1973insTer.
Molecular consequence: frameshift variant. On other transcripts: nonsense (1).
Genome position (GRCh38, 1-based): chr6:157,206,688, C deleted; the last of 6 consecutive C bases (chr6:157,206,683-157,206,688); deleting any one gives the same sequence. VCF-style (leftmost placement, unchanged base first): chr6-157206682-TC-T. GRCh37 (hg19) VCF-style: chr6-157527816-TC-T.
Other names: c.3417del, p.Pro1139_Leu1140insTer (NM_001363725.2); c.5796del, p.Pro1932_Leu1933insTer (NM_001371656.1, NM_001374820.1); c.5757del, p.Pro1919_Leu1920insTer (NM_017519.3); c.5547del (NM_020732.3).
Identifiers: ClinVar variation 2502041 (VCV002502041.3), dbSNP rs35441529, ClinGen allele CA645564752.

ClinVar aggregate classification (germline): Pathogenic. Review status: criteria provided, multiple submitters, no conflicts (2 of 4 stars). 2 submissions from 2 submitters: Pathogenic (2). Last evaluated 2023-06-04.

Conditions:
ARID1B-Related Disorder. Identifiers: MedGen CN381337.

Submissions (2):

GeneDx
Classification: Pathogenic. Last evaluated: 2023-06-04. Review status: criteria provided, single submitter. Criteria: GeneDx Variant Classification Process June 2021. Collection method: clinical testing. Allele origin: germline.
Comment: Nonsense variant predicted to result in protein truncation, as the last 400 amino acids are lost, and other loss-of-function variants have been reported downstream in HGMD; Not observed at significant frequency in large population cohorts (gnomAD); This variant is associated with the following publications: (PMID: 34730517, 34217350, 31069529)

Rady Children's Institute for Genomic Medicine, Rady Children's Hospital San Diego
Classification: Pathogenic for ARID1B-Related Disorder. Review status: criteria provided, single submitter. Criteria: ACMG Guidelines, 2015. Collection method: clinical testing. Allele origin: germline. Affected: yes.
Comment: This frameshift variant is found in the last exon of ARID1B and is predicted to escape nonsense-mediated mRNA decay (NMD). However, frameshift and nonsense variants located downstream of this variant have been reported in the literature in patients with ARID1B-related phenotypes (PMID: 30349098, 31273213). The c.5547del (p.Leu1850Ter) variant has not been previously reported or functionally characterized in the literature to our knowledge. It is absent from the gnomAD population database and thus presumed to be rare. Analysis of the parental samples was negative for the variant, indicating this variant likely occurred as a de novo event. Based on the available evidence, the c.5547del (p.Leu1850Ter) variant is classified as Pathogenic.